The following is an entry in ClinVar:

ClinVar aggregate classification (germline): Uncertain significance (1 of 4 stars; one submission).

Allele frequency attached by ClinVar (database versions not stated): TOPMed below 0.00001.
gnomAD v4.1: 1 of 1,609,456 alleles (0.000062%); no homozygotes.

Submission:

CeGaT Center for Human Genetics Tuebingen
Classification: Uncertain significance. Last evaluated: 2024-03-01. Review status: criteria provided, single submitter. Criteria: CeGaT Center For Human Genetics Tuebingen Variant Classification Criteria Version 2. Collection method: clinical testing. Allele origin: germline. Affected: yes. Observed: 1 variant allele.
Comment: SLC25A24: PM2, PM4

NM_013386.5(SLC25A24):c.1433G>T (p.Ter478Leu)

Gene: SLC25A24 (solute carrier family 25 member 24; minus strand). Cytogenetic location: 1p13.3.
Variant type: single nucleotide variant.
Coding change: c.1433G>T on transcript NM_013386.5 (MANE Select); coding-DNA position 1433, G replaced by T.
Protein change: p.Ter478Leu.
Molecular consequence: stop lost.
Genome position (GRCh38, 1-based): chr1:108,136,654, C>A on the plus strand (G>T on the coding strand, the complement: SLC25A24 is on the minus strand). VCF-style: chr1-108136654-C-A. GRCh37 (hg19) VCF-style: chr1-108679276-C-A.
Other names: c.1376G>T, p.Ter459Leu (NM_213651.3).
Identifiers: ClinVar variation 3067689 (VCV003067689.21), dbSNP rs964682263, ClinGen allele CA28528862.